The following is an entry in ClinVar:

ClinVar aggregate classification (germline): Uncertain significance. Review status: criteria provided, multiple submitters, no conflicts (2 of 4 stars). 2 submissions from 2 submitters: Uncertain significance (2). Last evaluated 2022-06-08.

Conditions:
Tuberous sclerosis 2 (TSC2). Identifiers: Orphanet 805, MedGen C1860707, MONDO:0013199, OMIM 613254.

Submissions (2):

Labcorp Genetics (formerly Invitae), Labcorp
Classification: Uncertain significance for Tuberous sclerosis 2. Last evaluated: 2022-06-08. Review status: criteria provided, single submitter. Criteria: Invitae Variant Classification Sherloc (09022015). Collection method: clinical testing. Allele origin: germline.
Comment: In summary, the available evidence is currently insufficient to determine the role of this variant in disease. Therefore, it has been classified as a Variant of Uncertain Significance. Advanced modeling of protein sequence and biophysical properties (such as structural, functional, and spatial information, amino acid conservation, physicochemical variation, residue mobility, and thermodynamic stability) performed at Invitae indicates that this missense variant is not expected to disrupt TSC2 protein function. ClinVar contains an entry for this variant (Variation ID: 586857). This variant has not been reported in the literature in individuals affected with TSC2-related conditions. This variant is not present in population databases (gnomAD no frequency). This sequence change replaces glycine, which is neutral and non-polar, with alanine, which is neutral and non-polar, at codon 1455 of the TSC2 protein (p.Gly1455Ala).

Athena Diagnostics
Classification: Uncertain significance. Last evaluated: 2019-11-21. Review status: criteria provided, single submitter. Criteria: Athena Diagnostics Criteria. Collection method: clinical testing. Allele origin: unknown.

NM_000548.5(TSC2):c.4364G>C (p.Gly1455Ala)

Gene: TSC2 (TSC complex subunit 2; plus strand). Cytogenetic location: 16p13.3.
Variant type: single nucleotide variant.
Coding change: c.4364G>C on transcript NM_000548.5 (MANE Select); coding-DNA position 4364, G replaced by C.
Protein change: p.Gly1455Ala; replaces glycine 1455 with alanine.
Molecular consequence: missense variant.
Genome position (GRCh38, 1-based): chr16:2,084,586, G>C. VCF-style: chr16-2084586-G-C. GRCh37 (hg19) VCF-style: chr16-2134587-G-C.
Other names: c.4163G>C, p.Gly1388Ala (NM_001077183.3); c.4295G>C, p.Gly1432Ala (NM_001114382.3); c.4055G>C, p.Gly1352Ala (NM_001318827.2); c.4019G>C, p.Gly1340Ala (NM_001318829.2); c.3632G>C, p.Gly1211Ala (NM_001318831.2); c.4196G>C, p.Gly1399Ala (NM_001318832.2); c.4166G>C, p.Gly1389Ala (NM_001363528.2); c.4232G>C, p.Gly1411Ala (NM_001370404.1); and 1 more; short protein forms G1455A, G1389A, G1399A, G1211A, G1388A, G1432A, G1340A, G1352A.
Identifiers: ClinVar variation 586857 (VCV000586857.6), dbSNP rs1567524174, ClinGen allele CA394301717.